The following is an entry in ClinVar:

ClinVar aggregate classification (germline): Uncertain significance (1 of 4 stars; one submission).

Conditions:
Frontotemporal dementia and/or amyotrophic lateral sclerosis 6 (FTDALS6). Also called: VCP-Related Amyotrophic Lateral Sclerosis; VCP-Related Amyotrophic Lateral Sclerosis/Frontotemporal Dementia. Identifiers: Orphanet 275872, Orphanet 803, MedGen C5436279, MONDO:0013501, OMIM 613954.
Inclusion body myopathy with Paget disease of bone and frontotemporal dementia. Also called: Inclusion body myopathy with early-onset Paget disease and frontotemporal dementia. Identifiers: Orphanet 52430, MedGen C1833662, MONDO:0000507.

Allele frequency attached by ClinVar (database versions not stated): gnomAD exomes below 0.00001; gnomAD 0.00002.
gnomAD v4.1: 6 of 1,613,844 alleles (0.00037%); highest among the groups gnomAD compares: African/African-American, 0.004%; no homozygotes.

Submission:

Labcorp Genetics (formerly Invitae), Labcorp
Classification: Uncertain significance for Inclusion body myopathy with Paget disease of bone and frontotemporal dementia; Frontotemporal dementia and/or amyotrophic lateral sclerosis 6. Last evaluated: 2025-11-19. Review status: criteria provided, single submitter. Criteria: Invitae Variant Classification Sherloc (09022015). Collection method: clinical testing. Allele origin: germline.
Comment: This sequence change falls in intron 7 of the VCP gene. It does not directly change the encoded amino acid sequence of the VCP protein. It affects a nucleotide within the consensus splice site. This variant is not present in population databases (gnomAD no frequency). This variant has not been reported in the literature in individuals affected with VCP-related conditions. ClinVar contains an entry for this variant (Variation ID: 1411582). Variants that disrupt the consensus splice site are a relatively common cause of aberrant splicing (PMID: 17576681, 9536098). Algorithms developed to predict the effect of sequence changes on RNA splicing suggest that this variant may disrupt the consensus splice site. In summary, the available evidence is currently insufficient to determine the role of this variant in disease. Therefore, it has been classified as a Variant of Uncertain Significance.

Literature cited by the submitters: PubMed 17576681; PubMed 9536098.

NM_007126.5(VCP):c.811+5G>C

Gene: VCP (valosin containing protein; minus strand). Cytogenetic location: 9p13.3.
Variant type: single nucleotide variant.
Coding change: c.811+5G>C on transcript NM_007126.5 (MANE Select); 5 bases into the intron after coding-DNA position 811, G replaced by C.
Molecular consequence: intron variant.
Genome position (GRCh38, 1-based): chr9:35,062,973, C>G on the plus strand (G>C on the coding strand, the complement: VCP is on the minus strand). VCF-style: chr9-35062973-C-G. GRCh37 (hg19) VCF-style: chr9-35062970-C-G.
Other names: c.676+5G>C (NM_001354927.2, NM_001354928.2).
Identifiers: ClinVar variation 1411582 (VCV001411582.6), dbSNP rs1356010891, ClinGen allele CA863531154.